The following is an entry in ClinVar:

NM_030777.4(SLC2A10):c.237C>A (p.Leu79=)

Gene: SLC2A10 (solute carrier family 2 member 10; plus strand). Cytogenetic location: 20q13.12.
Variant type: single nucleotide variant.
Coding change: c.237C>A on transcript NM_030777.4 (MANE Select); coding-DNA position 237, C replaced by A.
Protein change: p.Leu79=; no amino-acid change (leucine 79 retained).
Molecular consequence: synonymous variant.
Genome position (GRCh38, 1-based): chr20:46,725,273, C>A. VCF-style: chr20-46725273-C-A. GRCh37 (hg19) VCF-style: chr20-45353912-C-A.
Identifiers: ClinVar variation 511736 (VCV000511736.14), dbSNP rs201323237, ClinGen allele CA9891933.

ClinVar aggregate classification (germline): Likely benign. Review status: criteria provided, multiple submitters, no conflicts (2 of 4 stars). 2 submissions from 2 submitters: Likely benign (2). Last evaluated 2022-10-02.

Conditions:
Familial thoracic aortic aneurysm and aortic dissection (TAAD). Also called: Thoracic aortic aneurysms and dissections. Identifiers: Orphanet 91387, MedGen C4707243, MONDO:0019625.

Allele frequency attached by ClinVar (database versions not stated): TOPMed 0.00005; 1000 Genomes Project 30x 0.00031.
gnomAD v4.1: 11 of 1,614,168 alleles (0.00068%); highest among the groups gnomAD compares: East Asian, 0.02%; no homozygotes.

Submissions (2):

Ambry Genetics
Classification: Likely benign for Familial thoracic aortic aneurysm and aortic dissection. Last evaluated: 2022-10-02. Review status: criteria provided, single submitter. Criteria: Ambry Variant Classification Scheme 2023. Collection method: clinical testing. Allele origin: germline.

GeneDx
Classification: Likely benign. Last evaluated: 2017-08-29. Review status: criteria provided, single submitter. Criteria: GeneDx Variant Classification (06012015). Collection method: clinical testing. Allele origin: germline. Affected: yes.
Comment: This variant is considered likely benign or benign based on one or more of the following criteria: it is a conservative change, it occurs at a poorly conserved position in the protein, it is predicted to be benign by multiple in silico algorithms, and/or has population frequency not consistent with disease.